The following is an entry in ClinVar:

NM_024675.4(PALB2):c.2996+5G>T

Gene: PALB2 (partner and localizer of BRCA2; minus strand). Cytogenetic location: 16p12.2.
Variant type: single nucleotide variant.
Coding change: c.2996+5G>T on transcript NM_024675.4 (MANE Select); 5 bases into the intron after coding-DNA position 2996, G replaced by T.
Molecular consequence: intron variant.
Genome position (GRCh38, 1-based): chr16:23,622,964, C>A on the plus strand (G>T on the coding strand, the complement: PALB2 is on the minus strand). VCF-style: chr16-23622964-C-A. GRCh37 (hg19) VCF-style: chr16-23634285-C-A.
Identifiers: ClinVar variation 246286 (VCV000246286.39), dbSNP rs879254193, ClinGen allele CA10584507.

ClinVar aggregate classification (germline): Conflicting classifications of pathogenicity. Review status: criteria provided, conflicting classifications (1 of 4 stars). 12 submissions from 12 submitters: Likely pathogenic (1); Uncertain significance (10). 1 of the submissions does not count toward it. Last evaluated 2026-02-08.

Conditions:
PALB2-related disorder. Also called: PALB2-related condition; PALB2-related disorders.
PALB2-related cancer predisposition. Identifiers: MedGen CN377761, MONDO:0700272.
Hereditary cancer-predisposing syndrome. Also called: Neoplastic Syndromes, Hereditary; Hereditary neoplastic syndrome; Hereditary Cancer Syndrome; Tumor predisposition. Identifiers: Orphanet 140162, MedGen C0027672, MeSH D009386, MONDO:0015356.
Familial cancer of breast. Also called: BREAST CANCER, FAMILIAL; Hereditary breast cancer; hereditary breast carcinoma. Identifiers: Orphanet 227535, MedGen C0346153, MONDO:0016419, OMIM 114480. Disease mechanism: loss of function.

Allele frequency attached by ClinVar (database versions not stated): TOPMed 0.00002.
gnomAD v4.1: 4 of 1,614,072 alleles (0.00025%); no homozygotes.

Submissions (12):

PreventionGenetics, part of Exact Sciences
Classification: Uncertain significance for PALB2-related condition. Last evaluated: 2026-02-08. Review status: criteria provided, single submitter. Criteria: ACMG Guidelines, 2015. Collection method: clinical testing. Allele origin: germline.
Comment: The PALB2 c.2996+5G>T variant is predicted to interfere with splicing. To our knowledge, this variant has not been reported in the literature or in the large population database gnomAD, indicating this variant is rare. This variant has conflicting interpretations in ClinVar ranging from likely pathogenic to uncertain (Variation ID: 246286). At this time, the clinical significance of this variant is uncertain due to the absence of conclusive functional and genetic evidence.

Labcorp Genetics (formerly Invitae), Labcorp
Classification: Uncertain significance for Familial cancer of breast. Last evaluated: 2025-10-31. Review status: criteria provided, single submitter. Criteria: Invitae Variant Classification Sherloc (09022015). Collection method: clinical testing. Allele origin: germline.
Comment: This sequence change falls in intron 9 of the PALB2 gene. It does not directly change the encoded amino acid sequence of the PALB2 protein. RNA analysis indicates that this variant induces altered splicing and likely results in a shortened protein product. This variant is not present in population databases (gnomAD no frequency). This variant has not been reported in the literature in individuals affected with PALB2-related conditions. ClinVar contains an entry for this variant (Variation ID: 246286). Variants that disrupt the consensus splice site are a relatively common cause of aberrant splicing (PMID: 17576681, 9536098). Studies have shown that this variant results in skipping of exon 9, but is expected to preserve the integrity of the reading-frame (internal data). In summary, the available evidence is currently insufficient to determine the role of this variant in disease. Therefore, it has been classified as a Variant of Uncertain Significance.

Dasa
Classification: Uncertain significance for PALB2-related cancer predisposition. Last evaluated: 2025-10-23. Review status: criteria provided, single submitter. Criteria: DASA Assertion Criteria. Collection method: clinical testing. Allele origin: germline.
Comment: NM_024675.4(PALB2):c.2996+5G>T is a splice-region variant predicted to affect normal RNA splicing. This variant affects a splice-region context with prior evidence supporting clinical relevance. This variant is rare in population databases. Computational prediction algorithms are consistent with a deleterious effect. The currently available literature and clinical evidence are not sufficient to establish a definitive association between this variant and the reported condition. Therefore, this variant is classified as a variant of uncertain significance.

Ambry Genetics
Classification: Likely pathogenic for Hereditary cancer-predisposing syndrome. Last evaluated: 2025-10-21. Review status: criteria provided, single submitter. Criteria: Ambry Variant Classification Scheme 2023. Collection method: clinical testing. Allele origin: germline.
Comment: The c.2996+5G>T intronic variant results from a G to T substitution 5 nucleotides after coding exon 9 in the PALB2 gene. This variant is considered to be rare based on population cohorts in the Genome Aggregation Database (gnomAD). This nucleotide position is well conserved in available vertebrate species. In silico splice site analysis predicts that this alteration will weaken the native splice donor site. RNA studies have demonstrated that this alteration results in abnormal splicing in the set of samples tested (Ambry internal data). Based on the majority of available evidence to date, this variant is likely to be pathogenic.

Women's Health and Genetics/Laboratory Corporation of America, LabCorp
Classification: Uncertain significance. Last evaluated: 2025-07-01. Review status: criteria provided, single submitter. Criteria: LabCorp Variant Classification Summary - May 2015. Collection method: clinical testing. Allele origin: germline.
Comment: Variant summary: PALB2 c.2996+5G>T alters a conserved nucleotide located close to a canonical splice site and therefore could affect mRNA splicing, leading to a significantly altered protein sequence. Several computational tools predict a significant impact on normal splicing: One predict the variant abolishes the canonical 5' splicing donor site. Three predict the variant weakens the canonical 5' donor site. Eexperimental evidence from internal data suggest that this variant affects mRNA splicing by skipping of exon 9, but is expected to preserve the integrity of the reading-frame, and no pathogenic missense/inframe deletions have been reported from the skipping exon 9. The variant was absent in 251442 control chromosomes. The available data on variant occurrences in the general population are insufficient to allow any conclusion about variant significance. To our knowledge, no occurrence of c.2996+5G>T in individuals affected with Hereditary Breast And Ovarian Cancer Syndrome and no experimental evidence demonstrating its impact on protein function have been reported. ClinVar contains an entry for this variant (Variation ID: 246286). Based on the evidence outlined above, the variant was classified as uncertain significance.

Color Diagnostics, LLC DBA Color Health
Classification: Uncertain significance for Hereditary cancer-predisposing syndrome. Last evaluated: 2024-08-14. Review status: criteria provided, single submitter. Criteria: ACMG Guidelines, 2015. Collection method: clinical testing. Allele origin: germline.
Comment: This variant causes a G to T nucleotide substitution at the +5 position of intron 9 of the PALB2 gene. Splice site prediction tools predict that this variant may have a significant impact on RNA splicing. This variant has been reported to cause abnormal splicing by an external laboratory (ClinVar SCV000663400.6), but it has not been described in any published RNA studies. This variant has not been reported in individuals affected with PALB2-related disorders in the literature. This variant has not been identified in the general population by the Genome Aggregation Database (gnomAD). The available evidence is insufficient to determine the role of this variant in disease conclusively. Therefore, this variant is classified as a Variant of Uncertain Significance.

Baylor Genetics
Classification: Uncertain significance for Familial cancer of breast. Last evaluated: 2023-07-28. Review status: criteria provided, single submitter. Criteria: ACMG Guidelines, 2015. Collection method: clinical testing. Allele origin: unknown.

St. Jude Molecular Pathology, St. Jude Children's Research Hospital
Classification: Uncertain significance for Familial cancer of breast. Last evaluated: 2023-06-02. Review status: criteria provided, single submitter. Criteria: St. Jude Assertion Criteria 2020. Collection method: clinical testing. Allele origin: germline.
Comment: The PALB2 c.2996+5G>T intronic change results in a G to T substitution at the +5 position of intron 9 of the PALB2 gene. This variant is absent in gnomAD v2.1.1. Algorithms that predict the impact of sequence changes on splicing indicate that this change may abolish the native splice donor site. Internal RNA data demonstrates that this variant results in in-frame skipping of exon 9, however the functional consequence of this change is unknown. Deletions of exon 9-10 have been identified in individuals with a personal and/or family history of breast and/or ovarian cancer (PMID: 24136930, 32624572). To our knowledge, this variant has not been reported in individuals with Fanconi anemia. In summary, the evidence currently available is insufficient to determine the clinical significance of this variant. It has therefore been classified as of uncertain significance.

Myriad Genetics, Inc.
Classification: Uncertain significance for Familial cancer of breast. Last evaluated: 2023-03-30. Review status: criteria provided, single submitter. Criteria: Myriad Autosomal Dominant, Autosomal Recessive and X-Linked Classification Criteria (2023). Collection method: clinical testing. Allele origin: unknown.
Comment: This variant is classified as a variant of uncertain significance as there is insufficient evidence to determine its impact on protein function and/or cancer risk.

GeneDx
Classification: Uncertain significance. Last evaluated: 2023-01-31. Review status: criteria provided, single submitter. Criteria: GeneDx Variant Classification Process June 2021. Collection method: clinical testing. Allele origin: germline. Affected: yes.
Comment: Not observed at significant frequency in large population cohorts (gnomAD); In silico analysis supports a deleterious effect on splicing; Has not been previously published as pathogenic or benign to our knowledge

Mendelics
Classification: Uncertain significance for Hereditary cancer-predisposing syndrome. Last evaluated: 2018-07-02. Review status: criteria provided, single submitter. Criteria: Mendelics Assertion Criteria 2017. Collection method: clinical testing. Allele origin: unknown.

Counsyl
Classification: Uncertain significance for Familial cancer of breast. Last evaluated: 2017-12-20. Review status: no assertion criteria provided. Collection method: clinical testing. Allele origin: unknown. Not counted in ClinVar's aggregate classification.

Literature cited by the submitters: PubMed 17576681 (cited by Labcorp Genetics (formerly Invitae), Labcorp); PubMed 9536098 (cited by Labcorp Genetics (formerly Invitae), Labcorp).